The following is an entry in ClinVar:

ClinVar aggregate classification (germline): Uncertain significance (1 of 4 stars; one submission).

Conditions:
Atrioventricular septal defect 4 (AVSD4). Identifiers: MedGen C3280781, MONDO:0013747, OMIM 614430.

Allele frequency attached by ClinVar (database versions not stated): TOPMed below 0.00001.
gnomAD v4.1: 4 of 1,361,658 alleles (0.00029%); highest among the groups gnomAD compares: Non-Finnish European, 0.00038%; no homozygotes.

Submission:

Labcorp Genetics (formerly Invitae), Labcorp
Classification: Uncertain significance for Atrioventricular septal defect 4. Last evaluated: 2023-05-01. Review status: criteria provided, single submitter. Criteria: Invitae Variant Classification Sherloc (09022015). Collection method: clinical testing. Allele origin: germline.
Comment: This variant is not present in population databases (gnomAD no frequency). In summary, the available evidence is currently insufficient to determine the role of this variant in disease. Therefore, it has been classified as a Variant of Uncertain Significance. Advanced modeling of protein sequence and biophysical properties (such as structural, functional, and spatial information, amino acid conservation, physicochemical variation, residue mobility, and thermodynamic stability) performed at Invitae indicates that this missense variant is expected to disrupt GATA4 protein function. ClinVar contains an entry for this variant (Variation ID: 1502871). This variant has not been reported in the literature in individuals affected with GATA4-related conditions. This sequence change replaces glutamic acid, which is acidic and polar, with lysine, which is basic and polar, at codon 147 of the GATA4 protein (p.Glu147Lys).

NM_001308093.3(GATA4):c.439G>A (p.Glu147Lys)

Gene: GATA4 (GATA binding protein 4). Cytogenetic location: 8p23.1.
Variant type: single nucleotide variant.
Coding change: c.439G>A on transcript NM_001308093.3 (MANE Select); coding-DNA position 439, G replaced by A.
Protein change: p.Glu147Lys; replaces glutamic acid 147 with lysine.
Molecular consequence: missense variant. On other transcripts: intron variant (3).
Genome position (GRCh38, 1-based): chr8:11,708,751, G>A. VCF-style: chr8-11708751-G-A. GRCh37 (hg19) VCF-style: chr8-11566260-G-A.
Other names: c.439G>A, p.Glu147Lys (NM_002052.5); c.-6+7973G>A (NM_001308094.2); c.-3+737G>A (NM_001374274.1); c.-3+4447G>A (NM_001374273.1); short protein forms E147K.
Identifiers: ClinVar variation 1502871 (VCV001502871.6), dbSNP rs1800019519, ClinGen allele CA370309620.
Genomic context (GRCh38, chr8:11,708,751, plus strand): 5'-CGGGAAGCTGCGGCCTACAGCAGTGGCGGCGGAGCGGCGGGTGCGGGCCTGGCGGGCCGC[G>A]AGCAGTACGGGCGCGCCGGCTTCGCGGGCTCCTACTCCAGCCCCTACCCGGCTTACATGG-3'
Protein context (NP_001295022.1, residues 137-157): GAAGAGLAGR[Glu147Lys]QYGRAGFAGS